The following is an entry in ClinVar:

NM_018249.6(CDK5RAP2):c.668_671del (p.Ile223fs)

Gene: CDK5RAP2 (CDK5 regulatory subunit associated protein 2; minus strand). Cytogenetic location: 9q33.2.
Variant type: Deletion.
Coding change: c.668_671del on transcript NM_018249.6 (MANE Select); coding-DNA positions 668 to 671, 4 bases deleted (TTGA; older notation c.668_671delTTGA).
Protein change: p.Ile223fs; shifts the reading frame from isoleucine 223.
Molecular consequence: frameshift variant. On other transcripts: non-coding transcript variant (5).
Genome position (GRCh38, 1-based): chr9:120,530,132-120,530,135, TCAA deleted on the plus strand (TTGA on the coding strand, the reverse complement: CDK5RAP2 is on the minus strand); deleting any 4 consecutive bases within chr9:120,530,132-120,530,138 gives the same sequence; the c. name uses the placement nearest the transcript's 3' end. VCF-style (leftmost placement, unchanged base first): chr9-120530131-CTCAA-C. GRCh37 (hg19) VCF-style: chr9-123292409-CTCAA-C.
Other names: c.668_671del, p.Ile223fs (NM_001011649.3, NM_001272039.2, NM_001410992.1 and 2 more transcripts); short protein forms I223fs.
Identifiers: ClinVar variation 4768595 (VCV004768595.1).
Genomic context (GRCh38, chr9:120,530,131, plus strand): 5'-TTTCTCCTCTTTAAGGCACTGAATTAAAGCTTCTTTGCTCTTCAAAGACAGCTTCAACTC[CTCAA>C]TCAGTCTAAAAGAGAACAAAATTTAAATATTAATTCTAAGCTGTTCTCTTAGCTCAGTGG-3'

ClinVar aggregate classification (germline): Pathogenic (1 of 4 stars; one submission).

Submission:

Labcorp Genetics (formerly Invitae), Labcorp
Classification: Pathogenic. Last evaluated: 2025-02-27. Review status: criteria provided, single submitter. Criteria: Invitae Variant Classification Sherloc (09022015). Collection method: clinical testing. Allele origin: germline.
Comment: This sequence change creates a premature translational stop signal (p.Ile223Argfs*3) in the CDK5RAP2 gene. It is expected to result in an absent or disrupted protein product. Loss-of-function variants in CDK5RAP2 are known to be pathogenic (PMID: 15793586, 20460369, 26436113). This variant is not present in population databases (gnomAD no frequency). This variant has not been reported in the literature in individuals affected with CDK5RAP2-related conditions. For these reasons, this variant has been classified as Pathogenic.

Literature cited by the submitters: PubMed 15793586; PubMed 20460369; PubMed 26436113.